The following is an entry in ClinVar:

NM_006415.4(SPTLC1):c.813C>G (p.Ile271Met)

Gene: SPTLC1 (serine palmitoyltransferase long chain base subunit 1; minus strand). Cytogenetic location: 9q22.31.
Variant type: single nucleotide variant.
Coding change: c.813C>G on transcript NM_006415.4 (MANE Select); coding-DNA position 813, C replaced by G.
Protein change: p.Ile271Met; replaces isoleucine 271 with methionine.
Molecular consequence: missense variant.
Genome position (GRCh38, 1-based): chr9:92,050,035, G>C on the plus strand (C>G on the coding strand, the complement: SPTLC1 is on the minus strand). VCF-style: chr9-92050035-G-C. GRCh37 (hg19) VCF-style: chr9-94812317-G-C.
Other names: c.813C>G, p.Ile271Met (NM_001281303.2); c.447C>G, p.Ile149Met (NM_001368272.1); c.348C>G, p.Ile116Met (NM_001368273.1); short protein forms I116M, I149M, I271M.
Identifiers: ClinVar variation 1387301 (VCV001387301.10), dbSNP rs1587918415, ClinGen allele CA373793832.
Genomic context (GRCh38, chr9:92,050,035, plus strand): 5'-TTCAGTGACTCCTCGGCCATGCTCTCCTAGGACTCCAAATGAAAGGCTTTCCTCCAGGAA[G>C]ATTCTTGCTTTGTATTTGTATTTTAACTTAACCTAAGTGTTATATAAACGTTAAAATACT-3'
Protein context (NP_006406.1, residues 261-281): VKLKYKYKAR[Ile271Met]FLEESLSFGV

ClinVar aggregate classification (germline): Uncertain significance. Review status: criteria provided, multiple submitters, no conflicts (2 of 4 stars). 2 submissions from 2 submitters: Uncertain significance (2). Last evaluated 2022-02-05.

Conditions:
Inborn genetic diseases. Identifiers: MedGen C0950123, MeSH D030342.
Hereditary sensory and autonomic neuropathy type 1 (HSAN1). Also called: HSAN 1; HSN Type I; Hereditary Sensory Neuropathy Type I. Identifiers: Orphanet 36386, MedGen C0020071, MONDO:0018213.

Submissions (2):

Labcorp Genetics (formerly Invitae), Labcorp
Classification: Uncertain significance for Hereditary sensory and autonomic neuropathy type 1. Last evaluated: 2022-02-05. Review status: criteria provided, single submitter. Criteria: Invitae Variant Classification Sherloc (09022015). Collection method: clinical testing. Allele origin: germline.
Comment: This sequence change replaces isoleucine, which is neutral and non-polar, with methionine, which is neutral and non-polar, at codon 271 of the SPTLC1 protein (p.Ile271Met). In summary, the available evidence is currently insufficient to determine the role of this variant in disease. Therefore, it has been classified as a Variant of Uncertain Significance. Algorithms developed to predict the effect of missense changes on protein structure and function are either unavailable or do not agree on the potential impact of this missense change (SIFT: "Deleterious"; PolyPhen-2: "Possibly Damaging"; Align-GVGD: "Class C0"). This variant has not been reported in the literature in individuals affected with SPTLC1-related conditions. This variant is not present in population databases (gnomAD no frequency).

Ambry Genetics
Classification: Uncertain significance for Inborn genetic diseases. Last evaluated: 2020-03-20. Review status: criteria provided, single submitter. Criteria: Ambry Variant Classification Scheme 2023. Collection method: clinical testing. Allele origin: germline.
Comment: The p.I271M variant (also known as c.813C>G), located in coding exon 9 of the SPTLC1 gene, results from a C to G substitution at nucleotide position 813. The isoleucine at codon 271 is replaced by methionine, an amino acid with highly similar properties. This amino acid position is highly conserved in available vertebrate species. In addition, this alteration is predicted to be deleterious by in silico analysis. Since supporting evidence is limited at this time, the clinical significance of this alteration remains unclear.